The following is an entry in ClinVar:

NM_001128840.3(CACNA1D):c.6192+8C>T

Gene: CACNA1D (calcium voltage-gated channel subunit alpha1 D; plus strand). Cytogenetic location: 3p21.1.
Variant type: single nucleotide variant.
Coding change: c.6192+8C>T on transcript NM_001128840.3 (MANE Select); 8 bases into the intron after coding-DNA position 6192, C replaced by T.
Molecular consequence: intron variant.
Genome position (GRCh38, 1-based): chr3:53,810,306, C>T. VCF-style: chr3-53810306-C-T. GRCh37 (hg19) VCF-style: chr3-53844333-C-T.
Other names: c.6120+8C>T (NM_001128839.3); c.6252+8C>T (NM_000720.4).
Identifiers: ClinVar variation 3907519 (VCV003907519.3).

ClinVar aggregate classification (germline): Likely benign. Review status: criteria provided, multiple submitters, no conflicts (2 of 4 stars). 3 submissions from 3 submitters: Likely benign (3). Last evaluated 2025-12-21.

gnomAD v4.1: 25 of 1,612,970 alleles (0.0015%); highest among the groups gnomAD compares: Middle Eastern, 0.016%; no homozygotes.

Submissions (3):

Labcorp Genetics (formerly Invitae), Labcorp
Classification: Likely benign. Last evaluated: 2025-12-21. Review status: criteria provided, single submitter. Criteria: Invitae Variant Classification Sherloc (09022015). Collection method: clinical testing. Allele origin: germline.

Women's Health and Genetics/Laboratory Corporation of America, LabCorp
Classification: Likely benign. Last evaluated: 2025-06-26. Review status: criteria provided, single submitter. Criteria: LabCorp Variant Classification Summary - May 2015. Collection method: clinical testing. Allele origin: germline.
Comment: Variant summary: CACNA1D c.6252+8C>T alters a non-conserved nucleotide located at a position not widely known to affect splicing. Consensus agreement among computation tools predict no significant impact on normal splicing. However, these predictions have yet to be confirmed by functional studies. The variant allele was found at a frequency of 2e-05 in 248392 control chromosomes. The available data on variant occurrences in the general population are insufficient to allow any conclusion about variant significance. To our knowledge, no occurrence of c.6252+8C>T in individuals affected with Sinoatrial Node Dysfunction And Deafness and no experimental evidence demonstrating its impact on protein function have been reported. No submitters have cited clinical-significance assessments for this variant to ClinVar. Based on the evidence outlined above, the variant was classified as likely benign.

Blueprint Genetics
Classification: Likely benign. Last evaluated: 2024-04-18. Review status: criteria provided, single submitter. Criteria: ACMG Guidelines, 2015. Collection method: clinical testing. Allele origin: germline.